The following is an entry in ClinVar:

ClinVar aggregate classification (germline): Uncertain significance (1 of 4 stars; one submission).

Conditions:
Periodic fever-infantile enterocolitis-autoinflammatory syndrome. Also called: Autoinflammation with infantile enterocolitis. Identifiers: Orphanet 436166, MedGen C4015067, MONDO:0014472, OMIM 616050.

Allele frequency attached by ClinVar (database versions not stated): gnomAD exomes below 0.00001; TOPMed below 0.00001; gnomAD 0.00001.
gnomAD v4.1: 2 of 1,614,096 alleles (0.00012%); highest among the groups gnomAD compares: Non-Finnish European, 0.00017%; no homozygotes.

Submission:

3billion
Classification: Uncertain significance for Periodic fever-infantile enterocolitis-autoinflammatory syndrome. Review status: criteria provided, single submitter. Criteria: ACMG Guidelines, 2015. Collection method: clinical testing. Allele origin: unknown. Affected: yes. Observed: 1 heterozygote.
Comment: The variant is not observed in the gnomAD v2.1.1 dataset. Missense changes are a common disease-causing mechanism. In silico tool predictions suggest damaging effect of the variant on gene or gene product (REVEL: 0.61). However, the evidence of pathogenicity is insufficient at this time. Therefore, this variant is classified as Uncertain significance according to the recommendation of ACMG/AMP guideline.

NM_001199138.2(NLRC4):c.839C>T (p.Thr280Ile)

Gene: NLRC4 (NLR family CARD domain containing 4; minus strand). Cytogenetic location: 2p22.3.
Variant type: single nucleotide variant.
Coding change: c.839C>T on transcript NM_001199138.2 (MANE Select); coding-DNA position 839, C replaced by T.
Protein change: p.Thr280Ile; replaces threonine 280 with isoleucine.
Molecular consequence: missense variant. On other transcripts: intron variant (1).
Genome position (GRCh38, 1-based): chr2:32,251,025, G>A on the plus strand (C>T on the coding strand, the complement: NLRC4 is on the minus strand). VCF-style: chr2-32251025-G-A. GRCh37 (hg19) VCF-style: chr2-32476094-G-A.
Other names: c.839C>T, p.Thr280Ile (NM_001199139.2, NM_021209.5); c.262+1394C>T (NM_001302504.1); short protein forms T280I.
Identifiers: ClinVar variation 2572482 (VCV002572482.1), dbSNP rs1367605401, ClinGen allele CA346514156.